The following is an entry in ClinVar:

NM_001378120.1(MBD5):c.3545-10C>G

Gene: MBD5 (methyl-CpG binding domain protein 5; plus strand). Cytogenetic location: 2q23.1.
Variant type: single nucleotide variant.
Coding change: c.3545-10C>G on transcript NM_001378120.1 (MANE Select); 10 bases into the intron before coding-DNA position 3545, C replaced by G.
Molecular consequence: intron variant.
Genome position (GRCh38, 1-based): chr2:148,485,732, C>G. VCF-style: chr2-148485732-C-G. GRCh37 (hg19) VCF-style: chr2-149243301-C-G.
Other names: c.2846-10C>G (NM_018328.5).
Identifiers: ClinVar variation 679812 (VCV000679812.10), dbSNP rs1574479997, ClinGen allele CA915941753.

ClinVar aggregate classification (germline): Likely benign. Review status: criteria provided, multiple submitters, no conflicts (2 of 4 stars). 2 submissions from 2 submitters: Likely benign (2). Last evaluated 2022-06-27.

Conditions:
Intellectual developmental disorder, autosomal dominant 1. Also called: Intellectual disability, autosomal dominant 1; MBD5 Haploinsufficiency. Identifiers: Orphanet 228402, MedGen C1969562, MONDO:0007974, OMIM 156200.

Allele frequency attached by ClinVar (database versions not stated): gnomAD 0.00001; gnomAD exomes 0.00001; TOPMed 0.00001.
gnomAD v4.1: 8 of 1,591,240 alleles (0.0005%); highest among the groups gnomAD compares: Non-Finnish European, 0.00069%; no homozygotes.

Submissions (2):

Labcorp Genetics (formerly Invitae), Labcorp
Classification: Likely benign for Intellectual developmental disorder, autosomal dominant 1. Last evaluated: 2022-06-27. Review status: criteria provided, single submitter. Criteria: Invitae Variant Classification Sherloc (09022015). Collection method: clinical testing. Allele origin: germline.

GeneDx
Classification: Likely benign. Last evaluated: 2018-05-21. Review status: criteria provided, single submitter. Criteria: GeneDx Variant Classification (06012015). Collection method: clinical testing. Allele origin: germline. Affected: yes.
Comment: This variant is considered likely benign or benign based on one or more of the following criteria: it is a conservative change, it occurs at a poorly conserved position in the protein, it is predicted to be benign by multiple in silico algorithms, and/or has population frequency not consistent with disease.